The following is an entry in ClinVar:

NM_001267550.2(TTN):c.78481T>A (p.Phe26161Ile)

Genes: TTN (titin; minus strand), TTN-AS1 (TTN antisense RNA 1; plus strand). Cytogenetic location: 2q31.2.
Variant type: single nucleotide variant.
Coding change: c.78481T>A on transcript NM_001267550.2 (MANE Select); coding-DNA position 78481, T replaced by A.
Protein change: p.Phe26161Ile; replaces phenylalanine 26161 with isoleucine.
Molecular consequence: missense variant.
Genome position (GRCh38, 1-based): chr2:178,567,651, A>T on the plus strand (T>A on the coding strand, the complement: TTN is on the minus strand). VCF-style: chr2-178567651-A-T. GRCh37 (hg19) VCF-style: chr2-179432378-A-T.
Other names: c.70777T>A, p.Phe23593Ile (NM_133378.4); c.73558T>A, p.Phe24520Ile (NM_001256850.1); c.51286T>A, p.Phe17096Ile (NM_003319.4); c.51661T>A, p.Phe17221Ile (NM_133432.3); c.51862T>A, p.Phe17288Ile (NM_133437.4); short protein forms F23593I, F26161I, F17096I, F17288I, F24520I, F17221I.
Identifiers: ClinVar variation 229521 (VCV000229521.5), dbSNP rs876658082, ClinGen allele CA10576480.

ClinVar aggregate classification (germline): Uncertain significance (1 of 4 stars; one submission).

Submission:

Laboratory for Molecular Medicine, Mass General Brigham Personalized Medicine
Classification: Uncertain significance. Last evaluated: 2015-12-10. Review status: criteria provided, single submitter. Criteria: LMM Criteria. Collection method: clinical testing. Allele origin: germline. Observed: 1 variant allele.
Comment: The p.Phe23593Ile variant in TTN has not been previously reported in individuals with cardiomyopathy or in large population studies. Computational prediction to ols and conservation analysis do not provide strong support for or against an im pact to the protein. In summary, the clinical significance of the p.Phe23593Ile variant is uncertain.